The following is an entry in ClinVar:

NM_152564.5(VPS13B):c.6144A>G (p.Ala2048=)

Gene: VPS13B (vacuolar protein sorting 13 homolog B; plus strand). Cytogenetic location: 8q22.2.
Variant type: single nucleotide variant.
Coding change: c.6144A>G on transcript NM_152564.5 (MANE Select); coding-DNA position 6144, A replaced by G.
Protein change: p.Ala2048=; no amino-acid change (alanine 2048 retained).
Molecular consequence: synonymous variant.
Genome position (GRCh38, 1-based): chr8:99,699,622, A>G. VCF-style: chr8-99699622-A-G. GRCh37 (hg19) VCF-style: chr8-100711850-A-G.
Other names: c.6219A>G, p.Ala2073= (NM_017890.5).
Identifiers: ClinVar variation 1977220 (VCV001977220.6), dbSNP rs940449954, ClinGen allele CA183025296.

ClinVar aggregate classification (germline): Likely benign. Review status: criteria provided, single submitter (1 of 4 stars). 2 submissions from 2 submitters: Likely benign (1). 1 of the submissions does not count toward it. Last evaluated 2022-06-18.

Conditions:
Cohen syndrome (COH1). Also called: Cutis verticis gyrata, retinitis pigmentosa, and sensorineural deafness; PEPPER SYNDROME. Identifiers: Orphanet 193, MedGen C0265223, MONDO:0008999, OMIM 216550.
VPS13B-related disorder. Also called: VPS13B-related condition.

Allele frequency attached by ClinVar (database versions not stated): TOPMed below 0.00001.
gnomAD v4.1: 1 of 1,614,152 alleles (0.000062%); highest among the groups gnomAD compares: Non-Finnish European, 0.000085%; no homozygotes.

Submissions (2):

Labcorp Genetics (formerly Invitae), Labcorp
Classification: Likely benign for Cohen syndrome. Last evaluated: 2022-06-18. Review status: criteria provided, single submitter. Criteria: Invitae Variant Classification Sherloc (09022015). Collection method: clinical testing. Allele origin: germline.

PreventionGenetics, part of Exact Sciences
Classification: Likely benign for VPS13B-related condition. Last evaluated: 2023-02-03. Review status: no assertion criteria provided. Collection method: clinical testing. Allele origin: germline. Not counted in ClinVar's aggregate classification.
Comment: This variant is classified as likely benign based on ACMG/AMP sequence variant interpretation guidelines (Richards et al. 2015 PMID: 25741868, with internal and published modifications).